The following is an entry in ClinVar:

ClinVar aggregate classification (germline): Uncertain significance (1 of 4 stars; one submission).

Submission:

Labcorp Genetics (formerly Invitae), Labcorp
Classification: Uncertain significance. Last evaluated: 2022-11-08. Review status: criteria provided, single submitter. Criteria: Invitae Variant Classification Sherloc (09022015). Collection method: clinical testing. Allele origin: germline.
Comment: This sequence change replaces isoleucine, which is neutral and non-polar, with threonine, which is neutral and polar, at codon 302 of the KCNC3 protein (p.Ile302Thr). This variant is not present in population databases (gnomAD no frequency). This variant has not been reported in the literature in individuals affected with KCNC3-related conditions. Advanced modeling of protein sequence and biophysical properties (such as structural, functional, and spatial information, amino acid conservation, physicochemical variation, residue mobility, and thermodynamic stability) performed at Invitae indicates that this missense variant is expected to disrupt KCNC3 protein function. In summary, the available evidence is currently insufficient to determine the role of this variant in disease. Therefore, it has been classified as a Variant of Uncertain Significance.

NM_004977.3(KCNC3):c.905T>C (p.Ile302Thr)

Gene: KCNC3 (potassium voltage-gated channel subfamily C member 3; minus strand). Cytogenetic location: 19q13.33.
Variant type: single nucleotide variant.
Coding change: c.905T>C on transcript NM_004977.3 (MANE Select); coding-DNA position 905, T replaced by C.
Protein change: p.Ile302Thr; replaces isoleucine 302 with threonine.
Molecular consequence: missense variant.
Genome position (GRCh38, 1-based): chr19:50,324,048, A>G on the plus strand (T>C on the coding strand, the complement: KCNC3 is on the minus strand). VCF-style: chr19-50324048-A-G. GRCh37 (hg19) VCF-style: chr19-50827305-A-G.
Other names: c.677T>C, p.Ile226Thr (NM_001372305.1); short protein forms I302T, I226T.
Identifiers: ClinVar variation 2812935 (VCV002812935.3), dbSNP rs2513800017, ClinGen allele CA406953354.